The following is an entry in ClinVar:

NM_001197104.2(KMT2A):c.6515C>T (p.Thr2172Ile)

Gene: KMT2A (lysine methyltransferase 2A; plus strand). Cytogenetic location: 11q23.3.
Variant type: single nucleotide variant.
Coding change: c.6515C>T on transcript NM_001197104.2 (MANE Select); coding-DNA position 6515, C replaced by T.
Protein change: p.Thr2172Ile; replaces threonine 2172 with isoleucine.
Molecular consequence: missense variant.
Genome position (GRCh38, 1-based): chr11:118,502,407, C>T. VCF-style: chr11-118502407-C-T. GRCh37 (hg19) VCF-style: chr11-118373122-C-T.
Other names: c.6605C>T, p.Thr2202Ile (NM_001412597.1); c.6506C>T, p.Thr2169Ile (NM_005933.4); short protein forms T2172I, T2169I, T2202I.
Identifiers: ClinVar variation 3634331 (VCV003634331.2).

ClinVar aggregate classification (germline): Uncertain significance (1 of 4 stars; one submission).

Submission:

Labcorp Genetics (formerly Invitae), Labcorp
Classification: Uncertain significance. Last evaluated: 2024-04-06. Review status: criteria provided, single submitter. Criteria: Invitae Variant Classification Sherloc (09022015). Collection method: clinical testing. Allele origin: germline.
Comment: This sequence change replaces threonine, which is neutral and polar, with isoleucine, which is neutral and non-polar, at codon 2172 of the KMT2A protein (p.Thr2172Ile). This variant is not present in population databases (gnomAD no frequency). This variant has not been reported in the literature in individuals affected with KMT2A-related conditions. Advanced modeling of protein sequence and biophysical properties (such as structural, functional, and spatial information, amino acid conservation, physicochemical variation, residue mobility, and thermodynamic stability) performed at Invitae indicates that this missense variant is not expected to disrupt KMT2A protein function with a negative predictive value of 95%. In summary, the available evidence is currently insufficient to determine the role of this variant in disease. Therefore, it has been classified as a Variant of Uncertain Significance.